The following is an entry in ClinVar:

NM_205836.3(FBXO38):c.1591C>T (p.Pro531Ser)

Gene: FBXO38 (F-box protein 38; plus strand). Cytogenetic location: 5q32.
Variant type: single nucleotide variant.
Coding change: c.1591C>T on transcript NM_205836.3 (MANE Select); coding-DNA position 1591, C replaced by T.
Protein change: p.Pro531Ser; replaces proline 531 with serine.
Molecular consequence: missense variant.
Genome position (GRCh38, 1-based): chr5:148,417,177, C>T. VCF-style: chr5-148417177-C-T. GRCh37 (hg19) VCF-style: chr5-147796740-C-T.
Other names: c.1591C>T, p.Pro531Ser (NM_001271723.2, NM_030793.5); short protein forms P531S.
Identifiers: ClinVar variation 3646575 (VCV003646575.2).

ClinVar aggregate classification (germline): Uncertain significance (1 of 4 stars; one submission).

Conditions:
Distal hereditary motor neuropathy type 2. Identifiers: Orphanet 139525, MedGen C3711384, MeSH C580044, MONDO:0015352.

Submission:

Labcorp Genetics (formerly Invitae), Labcorp
Classification: Uncertain significance for Distal hereditary motor neuropathy type 2. Last evaluated: 2024-03-18. Review status: criteria provided, single submitter. Criteria: Invitae Variant Classification Sherloc (09022015). Collection method: clinical testing. Allele origin: germline.
Comment: This sequence change replaces proline, which is neutral and non-polar, with serine, which is neutral and polar, at codon 531 of the FBXO38 protein (p.Pro531Ser). This variant is not present in population databases (gnomAD no frequency). This variant has not been reported in the literature in individuals affected with FBXO38-related conditions. Advanced modeling of protein sequence and biophysical properties (such as structural, functional, and spatial information, amino acid conservation, physicochemical variation, residue mobility, and thermodynamic stability) performed at Invitae indicates that this missense variant is not expected to disrupt FBXO38 protein function with a negative predictive value of 80%. In summary, the available evidence is currently insufficient to determine the role of this variant in disease. Therefore, it has been classified as a Variant of Uncertain Significance.